The following is an entry in ClinVar:

NM_022765.4(MICAL1):c.1420G>A (p.Val474Met)

Gene: MICAL1 (microtubule associated monooxygenase, calponin and LIM domain containing 1; minus strand). Cytogenetic location: 6q21.
Variant type: single nucleotide variant.
Coding change: c.1420G>A on transcript NM_022765.4 (MANE Select); coding-DNA position 1420, G replaced by A.
Protein change: p.Val474Met; replaces valine 474 with methionine.
Molecular consequence: missense variant.
Genome position (GRCh38, 1-based): chr6:109,449,671, C>T on the plus strand (G>A on the coding strand, the complement: MICAL1 is on the minus strand). VCF-style: chr6-109449671-C-T. GRCh37 (hg19) VCF-style: chr6-109770874-C-T.
Other names: c.1162G>A, p.Val388Met (NM_001159291.2); c.1477G>A, p.Val493Met (NM_001286613.2); short protein forms V474M, V388M, V493M.
Identifiers: ClinVar variation 4765259 (VCV004765259.1).

ClinVar aggregate classification (germline): Uncertain significance (1 of 4 stars; one submission).

gnomAD v4.1: 3 of 1,581,782 alleles (0.00019%); highest among the groups gnomAD compares: East Asian, 0.0045%; no homozygotes.

Submission:

Labcorp Genetics (formerly Invitae), Labcorp
Classification: Uncertain significance. Last evaluated: 2025-09-08. Review status: criteria provided, single submitter. Criteria: Invitae Variant Classification Sherloc (09022015). Collection method: clinical testing. Allele origin: germline.
Comment: This sequence change replaces valine, which is neutral and non-polar, with methionine, which is neutral and non-polar, at codon 493 of the MICAL1 protein (p.Val493Met). This variant is present in population databases (rs773808591, gnomAD 0.01%). This variant has not been reported in the literature in individuals affected with MICAL1-related conditions. An algorithm developed to predict the effect of missense changes on protein structure and function (PolyPhen-2) suggests that this variant is likely to be disruptive. In summary, the available evidence is currently insufficient to determine the role of this variant in disease. Therefore, it has been classified as a Variant of Uncertain Significance.